The following is an entry in ClinVar:

ClinVar aggregate classification (germline): Benign. Review status: criteria provided, multiple submitters, no conflicts (2 of 4 stars). 8 submissions from 8 submitters: Benign (5). 3 of the submissions do not count toward it. Last evaluated 2026-02-02.

Conditions:
Palmoplantar keratoderma-esophageal carcinoma syndrome (TOC). Also called: KERATOSIS PALMARIS ET PLANTARIS WITH ESOPHAGEAL CANCER; PALMOPLANTAR KERATODERMA WITH ESOPHAGEAL CANCER; Tylosis with Esophageal Cancer. Identifiers: Orphanet 2198, MedGen C1835664, MONDO:0007856, OMIM 148500.
RHBDF2-related disorder. Also called: RHBDF2-related condition.

Allele frequency attached by ClinVar (database versions not stated): ESP Exome Variant Server 0.00069; gnomAD 0.00355 and 0.00491; gnomAD exomes 0.00402; TOPMed 0.00692; 1000 Genomes Project 30x 0.01968; 1000 Genomes Project 0.02117.

Submissions (8):

Labcorp Genetics (formerly Invitae), Labcorp
Classification: Benign. Last evaluated: 2026-02-02. Review status: criteria provided, single submitter. Criteria: Invitae Variant Classification Sherloc (09022015). Collection method: clinical testing. Allele origin: germline.

Dasa
Classification: Benign. Last evaluated: 2026-01-26. Review status: criteria provided, single submitter. Criteria: DASA Assertion Criteria. Collection method: clinical testing. Allele origin: germline.
Comment: NM_001005498.4(RHBDF2):c.28A>C (p.Ser10Arg) is interpreted as benign based on a combination of available evidence, including population frequency, and in silico models suggesting no deleterious effect. Based on the available data, this variant is classified as benign.

KCCC/NGS Laboratory, Kuwait Cancer Control Center
Classification: Benign for Palmoplantar keratoderma-esophageal carcinoma syndrome. Last evaluated: 2023-07-07. Review status: criteria provided, single submitter. Criteria: ACMG Guidelines, 2015. Collection method: clinical testing. Allele origin: germline. Affected: yes.

Illumina Laboratory Services, Illumina
Classification: Benign for Palmoplantar keratoderma-esophageal carcinoma syndrome. Last evaluated: 2018-01-13. Review status: criteria provided, single submitter. Criteria: ICSL Variant Classification Criteria 13 December 2019. Collection method: clinical testing. Allele origin: germline.
Comment: This variant was observed in the ICSL laboratory as part of a predisposition screen in an ostensibly healthy population. It had not been previously curated by ICSL or reported in the Human Gene Mutation Database (HGMD: prior to June 1st, 2018), and was therefore a candidate for classification through an automated scoring system. Utilizing variant allele frequency, disease prevalence and penetrance estimates, and inheritance mode, an automated score was calculated to assess if this variant is too frequent to cause the disease. Based on the score and internal cut-off values, a variant classified as benign is not then subjected to further curation. The score for this variant resulted in a classification of benign for this disease.

Breakthrough Genomics
Classification: Benign. Review status: criteria provided, single submitter. Criteria: ACMG Guidelines, 2015. Collection method: not provided. Allele origin: germline. Inheritance: Autosomal dominant inheritance. Affected: yes.

PreventionGenetics, part of Exact Sciences
Classification: Benign for RHBDF2-related condition. Last evaluated: 2024-09-23. Review status: no assertion criteria provided. Collection method: clinical testing. Allele origin: germline. Not counted in ClinVar's aggregate classification.
Comment: This variant is classified as benign based on ACMG/AMP sequence variant interpretation guidelines (Richards et al. 2015 PMID: 25741868, with internal and published modifications).

Genome Diagnostics Laboratory, Amsterdam University Medical Center
Classification: Benign. Review status: no assertion criteria provided. Collection method: clinical testing. Allele origin: germline. Affected: yes. Study: VKGL Data-share Consensus. Not counted in ClinVar's aggregate classification.

Joint Genome Diagnostic Labs from Nijmegen and Maastricht, Radboudumc and MUMC+
Classification: Benign. Review status: no assertion criteria provided. Collection method: clinical testing. Allele origin: germline. Affected: yes. Study: VKGL Data-share Consensus. Not counted in ClinVar's aggregate classification.

NM_001005498.4(RHBDF2):c.28A>C (p.Ser10Arg)

Gene: RHBDF2 (rhomboid 5 homolog 2; minus strand). Cytogenetic location: 17q25.1.
Variant type: single nucleotide variant.
Coding change: c.28A>C on transcript NM_001005498.4 (MANE Select); coding-DNA position 28, A replaced by C.
Protein change: p.Ser10Arg; replaces serine 10 with arginine.
Molecular consequence: missense variant. On other transcripts: non-coding transcript variant (3).
Genome position (GRCh38, 1-based): chr17:76,481,497, T>G on the plus strand (A>C on the coding strand, the complement: RHBDF2 is on the minus strand). VCF-style: chr17-76481497-T-G. GRCh37 (hg19) VCF-style: chr17-74477579-T-G.
Other names: c.28A>C, p.Ser10Arg (NM_001376228.1, NM_001376229.1, NM_001376230.1 and 1 more transcripts); short protein forms S10R.
Identifiers: ClinVar variation 325468 (VCV000325468.19), dbSNP rs80133178, ClinGen allele CA8787520.